The following is an entry in ClinVar:

ClinVar aggregate classification (germline): Likely benign (1 of 4 stars; one submission).

Allele frequency attached by ClinVar (database versions not stated): 1000 Genomes Project 0.00100; 1000 Genomes Project 30x 0.00141; TOPMed 0.00289; gnomAD 0.00363.
gnomAD v4.1: 546 of 152,258 alleles (0.36%); highest among the groups gnomAD compares: Non-Finnish European, 0.5%; 4 homozygotes.

Submission:

CeGaT Center for Human Genetics Tuebingen
Classification: Likely benign. Last evaluated: 2022-11-01. Review status: criteria provided, single submitter. Criteria: CeGaT Center For Human Genetics Tuebingen Variant Classification Criteria Version 2. Collection method: clinical testing. Allele origin: germline. Affected: yes. Observed: 1 variant allele.
Comment: DOC2B: BS2

NM_003585.5(DOC2B):c.765+725G>C

Gene: DOC2B (double C2 domain beta; minus strand). Cytogenetic location: 17p13.3.
Variant type: single nucleotide variant.
Coding change: c.765+725G>C on transcript NM_003585.5 (MANE Select); 725 bases into the intron after coding-DNA position 765, G replaced by C.
Molecular consequence: intron variant.
Genome position (GRCh38, 1-based): chr17:160,690, C>G on the plus strand (G>C on the coding strand, the complement: DOC2B is on the minus strand). VCF-style: chr17-160690-C-G. GRCh37 (hg19) VCF-style: chr17-10481-C-G.
Identifiers: ClinVar variation 2647151 (VCV002647151.24), dbSNP rs534710868, ClinGen allele CA286262436.